The following is an entry in ClinVar:

ClinVar aggregate classification (germline): Uncertain significance. Review status: criteria provided, multiple submitters, no conflicts (2 of 4 stars). 4 submissions from 4 submitters: Uncertain significance (4). Last evaluated 2024-07-15.

Conditions:
Inborn genetic diseases. Identifiers: MedGen C0950123, MeSH D030342.

Allele frequency attached by ClinVar (database versions not stated): gnomAD 0.00001 and 0.00003; gnomAD exomes 0.00001 and 0.00002; ExAC 0.00002; TOPMed 0.00005; ESP Exome Variant Server 0.00008.

Submissions (4):

Blueprint Genetics
Classification: Uncertain significance. Last evaluated: 2024-07-15. Review status: criteria provided, single submitter. Criteria: ACMG Guidelines, 2015. Collection method: clinical testing. Allele origin: germline.

Ambry Genetics
Classification: Uncertain significance for Inborn genetic diseases. Last evaluated: 2021-10-12. Review status: criteria provided, single submitter. Criteria: Ambry Variant Classification Scheme 2023. Collection method: clinical testing. Allele origin: germline.

Labcorp Genetics (formerly Invitae), Labcorp
Classification: Uncertain significance. Last evaluated: 2021-06-15. Review status: criteria provided, single submitter. Criteria: Invitae Variant Classification Sherloc (09022015). Collection method: clinical testing. Allele origin: germline.
Comment: In summary, the available evidence is currently insufficient to determine the role of this variant in disease. Therefore, it has been classified as a Variant of Uncertain Significance. Algorithms developed to predict the effect of missense changes on protein structure and function (SIFT, PolyPhen-2, Align-GVGD) all suggest that this variant is likely to be tolerated, but these predictions have not been confirmed by published functional studies and their clinical significance is uncertain. This variant has not been reported in the literature in individuals with FGF3-related conditions. This variant is present in population databases (rs369547972, ExAC 0.03%). This sequence change replaces methionine with isoleucine at codon 190 of the FGF3 protein (p.Met190Ile). The methionine residue is moderately conserved and there is a small physicochemical difference between methionine and isoleucine.

Breakthrough Genomics
Classification: Uncertain significance. Review status: criteria provided, single submitter. Criteria: ACMG Guidelines, 2015. Collection method: not provided. Allele origin: germline. Inheritance: Autosomal recessive inheritance. Affected: yes.

NM_005247.4(FGF3):c.570G>A (p.Met190Ile)

Gene: FGF3 (fibroblast growth factor 3; minus strand). Cytogenetic location: 11q13.3.
Variant type: single nucleotide variant.
Coding change: c.570G>A on transcript NM_005247.4 (MANE Select); coding-DNA position 570, G replaced by A.
Protein change: p.Met190Ile; replaces methionine 190 with isoleucine.
Molecular consequence: missense variant.
Genome position (GRCh38, 1-based): chr11:69,810,455, C>T on the plus strand (G>A on the coding strand, the complement: FGF3 is on the minus strand). VCF-style: chr11-69810455-C-T. GRCh37 (hg19) VCF-style: chr11-69625223-C-T.
Other names: c.570G>A (NM_005247.2); short protein forms M190I.
Identifiers: ClinVar variation 1427215 (VCV001427215.11), dbSNP rs369547972, ClinGen allele CA6157033.